The following is an entry in ClinVar:

NM_006514.4(SCN10A):c.5082_5092del (p.Ser1694fs)

Gene: SCN10A (sodium voltage-gated channel alpha subunit 10; minus strand). Cytogenetic location: 3p22.2.
Variant type: Deletion.
Coding change: c.5082_5092del on transcript NM_006514.4 (MANE Select); coding-DNA positions 5082 to 5092, 11 bases deleted (CCCAGCCGTAG).
Protein change: p.Ser1694fs; shifts the reading frame from serine 1694.
Molecular consequence: frameshift variant.
Genome position (GRCh38, 1-based): chr3:38,698,128-38,698,138, CTACGGCTGGG deleted on the plus strand (CCCAGCCGTAG on the coding strand, the reverse complement: SCN10A is on the minus strand); deleting any 11 consecutive bases within chr3:38,698,128-38,698,140 gives the same sequence; the c. name uses the placement nearest the transcript's 3' end. VCF-style (leftmost placement, unchanged base first): chr3-38698127-CCTACGGCTGGG-C. GRCh37 (hg19) VCF-style: chr3-38739618-CCTACGGCTGGG-C.
Other names: c.5079_5089del, p.Ser1693fs (NM_001293306.2); c.4788_4798del, p.Ser1596fs (NM_001293307.2); short protein forms S1596fs, S1693fs, S1694fs.
Identifiers: ClinVar variation 3225674 (VCV003225674.1), dbSNP rs2470553102, ClinGen allele CA2825001233.
Genomic context (GRCh38, chr3:38,698,127, plus strand): 5'-ATGTACATGTTGACCATGATGAGGAAGGAGATGATGATGTAGGTGGTGAAGAAGATGATG[CCTACGGCTGGG>C]CTCCCACAGTCCCCTCTGGTGCCATTGCTGTTGGGCAGATTGGGGTCACAGTAGGGGGGC-3'

ClinVar aggregate classification (germline): Uncertain significance (1 of 4 stars; one submission).

Conditions:
Cardiovascular phenotype. Identifiers: MedGen CN230736.

Submission:

Ambry Genetics
Classification: Uncertain significance for Cardiovascular phenotype. Last evaluated: 2024-01-02. Review status: criteria provided, single submitter. Criteria: Ambry Variant Classification Scheme 2023. Collection method: clinical testing. Allele origin: germline.
Comment: The c.5082_5092del11 variant, located in coding exon 27 of the SCN10A gene, results from a deletion of 11 nucleotides at nucleotide positions 5082 to 5092, causing a translational frameshift with a predicted alternate stop codon (p.S1694Rfs*37). This alteration is expected to result in protein truncation. However, loss of function of SCN10A has not been established as a mechanism of disease. The evidence for this gene-disease relationship is limited; therefore, the clinical significance of this alteration is unclear.